The following is an entry in ClinVar:

ClinVar aggregate classification (germline): Benign. Review status: criteria provided, multiple submitters, no conflicts (2 of 4 stars). 4 submissions from 4 submitters: Benign (4). Last evaluated 2021-07-14.

Conditions:
Systemic lupus erythematosus (SLE). Identifiers: Orphanet 536, MedGen C0024141, MONDO:0007915, OMIM 152700, HP:0002725.
Maturity-onset diabetes of the young type 11. Identifiers: Orphanet 552, MedGen C3150618, MONDO:0013242, OMIM 613375.

Allele frequency attached by ClinVar (database versions not stated): gnomAD exomes 0.53354; gnomAD 0.55690 and 0.56594; TOPMed 0.57420; 1000 Genomes Project 30x 0.66661; 1000 Genomes Project 0.67792.
gnomAD v4.1: 847,021 of 1,577,420 alleles (54%); highest among the groups gnomAD compares: East Asian, 100%; 236,504 homozygotes.

Submissions (4):

Genome-Nilou Lab
Classification: Benign for Maturity-onset diabetes of the young type 11. Last evaluated: 2021-07-14. Review status: criteria provided, single submitter. Criteria: ACMG Guidelines, 2015. Collection method: clinical testing. Allele origin: germline. Affected: no.

GeneDx
Classification: Benign. Last evaluated: 2018-08-09. Review status: criteria provided, single submitter. Criteria: GeneDx Variant Classification Process June 2021. Collection method: clinical testing. Allele origin: germline. Affected: yes.

Breakthrough Genomics
Classification: Benign. Review status: criteria provided, single submitter. Criteria: ACMG Guidelines, 2015. Collection method: not provided. Allele origin: germline. Inheritance: Autosomal dominant inheritance. Affected: yes.

Clinical Genomics, Uppaluri K&H Personalized Medicine Clinic
Classification: Benign for Systemic lupus erythematosus. Review status: criteria provided, single submitter. Criteria: K & H Uppaluri Personalized Medicine Clinic Variant Classification & Assertion Criteria_Updated V.1. Collection method: research. Allele origin: unknown.
Comment: BLK gene is associated with Systemic lupus erythematosus, sjogren's syndrome and other systemic inflammatory conditions. However no sufficient evidence is found to ascertain the role of this particular variant rs12386974, yet.

Literature cited by the submitters: PubMed 32313195 (cited by Clinical Genomics, Uppaluri K&H Personalized Medicine Clinic); PubMed 19667185 (cited by Clinical Genomics, Uppaluri K&H Personalized Medicine Clinic); PubMed 18204098 (cited by Clinical Genomics, Uppaluri K&H Personalized Medicine Clinic); PubMed 24023612 (cited by Clinical Genomics, Uppaluri K&H Personalized Medicine Clinic); PubMed 31670388 (cited by Clinical Genomics, Uppaluri K&H Personalized Medicine Clinic).

NM_001715.3(BLK):c.-1-105C>G

Gene: BLK (BLK proto-oncogene, Src family tyrosine kinase). Cytogenetic location: 8p23.1.
Variant type: single nucleotide variant.
Coding change: c.-1-105C>G on transcript NM_001715.3 (MANE Select); 105 bases into the intron before 1 bases upstream of the start codon, C replaced by G.
Molecular consequence: intron variant.
Genome position (GRCh38, 1-based): chr8:11,543,119, C>G. VCF-style: chr8-11543119-C-G. GRCh37 (hg19) VCF-style: chr8-11400628-C-G.
Other names: c.-90-2933C>G (NM_001330465.2).
Identifiers: ClinVar variation 1192422 (VCV001192422.8), dbSNP rs12386974, ClinGen allele CA12829699.